The following is an entry in ClinVar:

ClinVar aggregate classification (germline): Uncertain significance (1 of 4 stars; one submission).

Allele frequency attached by ClinVar (database versions not stated): TOPMed below 0.00001; ExAC 0.00009.
gnomAD v4.1: 22 of 1,613,932 alleles (0.0014%); highest among the groups gnomAD compares: East Asian, 0.0022%; no homozygotes.

Submission:

Labcorp Genetics (formerly Invitae), Labcorp
Classification: Uncertain significance. Last evaluated: 2022-11-08. Review status: criteria provided, single submitter. Criteria: Invitae Variant Classification Sherloc (09022015). Collection method: clinical testing. Allele origin: germline.
Comment: This sequence change replaces alanine, which is neutral and non-polar, with threonine, which is neutral and polar, at codon 394 of the PTH1R protein (p.Ala394Thr). This variant is present in population databases (rs765600608, gnomAD 0.01%). In summary, the available evidence is currently insufficient to determine the role of this variant in disease. Therefore, it has been classified as a Variant of Uncertain Significance. Advanced modeling of protein sequence and biophysical properties (such as structural, functional, and spatial information, amino acid conservation, physicochemical variation, residue mobility, and thermodynamic stability) performed at Invitae indicates that this missense variant is not expected to disrupt PTH1R protein function. This variant has not been reported in the literature in individuals affected with PTH1R-related conditions.

NM_000316.3(PTH1R):c.1180G>A (p.Ala394Thr)

Gene: PTH1R (parathyroid hormone 1 receptor; plus strand). Cytogenetic location: 3p21.31.
Variant type: single nucleotide variant.
Coding change: c.1180G>A on transcript NM_000316.3 (MANE Select); coding-DNA position 1180, G replaced by A.
Protein change: p.Ala394Thr; replaces alanine 394 with threonine.
Molecular consequence: missense variant.
Genome position (GRCh38, 1-based): chr3:46,901,829, G>A. VCF-style: chr3-46901829-G-A. GRCh37 (hg19) VCF-style: chr3-46943319-G-A.
Other names: c.1180G>A, p.Ala394Thr (NM_001184744.1); short protein forms A394T.
Identifiers: ClinVar variation 2988107 (VCV002988107.3), dbSNP rs765600608, ClinGen allele CA2359431.